The following is an entry in ClinVar:

ClinVar aggregate classification (germline): Uncertain significance (1 of 4 stars; one submission).

Submission:

Labcorp Genetics (formerly Invitae), Labcorp
Classification: Uncertain significance. Last evaluated: 2020-12-24. Review status: criteria provided, single submitter. Criteria: Invitae Variant Classification Sherloc (09022015). Collection method: clinical testing. Allele origin: germline.
Comment: In summary, the available evidence is currently insufficient to determine the role of this variant in disease. Therefore, it has been classified as a Variant of Uncertain Significance. Experimental studies and prediction algorithms are not available or were not evaluated, and the functional significance of this variant is currently unknown. This variant has not been reported in the literature in individuals with ZSWIM6-related conditions. The frequency data for this variant in the population databases is considered unreliable, as metrics indicate insufficient coverage at this position in the ExAC database. This variant, c.492_524del, results in the deletion of 11 amino acid(s) of the ZSWIM6 protein (p.Thr167_Ala177del), but otherwise preserves the integrity of the reading frame.

NM_020928.2(ZSWIM6):c.492_524del (p.Thr167_Ala177del)

Gene: ZSWIM6 (zinc finger SWIM-type containing 6; plus strand). Cytogenetic location: 5q12.1.
Variant type: Deletion.
Coding change: c.492_524del on transcript NM_020928.2 (MANE Select); coding-DNA positions 492 to 524, 33 bases deleted.
Protein change: p.Thr167_Ala177del.
Molecular consequence: inframe deletion.
Genome position (GRCh38, 1-based): chr5:61,332,764-61,332,796, 33 bases deleted; deleting any 33 consecutive bases within chr5:61,332,762-61,332,796 gives the same sequence; the c. name uses the placement nearest the transcript's 3' end. GRCh37 (hg19): chr5:60,628,591-60,628,623.
Identifiers: ClinVar variation 1897705 (VCV001897705.5), dbSNP rs1395641422, ClinGen allele CA560299886.